The following is an entry in ClinVar:

ClinVar aggregate classification (germline): Pathogenic/Likely pathogenic. Review status: criteria provided, multiple submitters, no conflicts (2 of 4 stars). 2 submissions from 2 submitters: Pathogenic (1); Likely pathogenic (1). Last evaluated 2026-04-07.

Conditions:
Neurofibromatosis, type 1 (NF1). Also called: Peripheral type neurofibromatosis; Neurofibromatosis, type I; VON RECKLINGHAUSEN DISEASE; NEUROFIBROMATOSIS, TYPE I, SOMATIC. Identifiers: Orphanet 636, MedGen C0027831, MONDO:0018975, OMIM 162200. Disease mechanism: loss of function.

Submissions (2):

GeneDx
Classification: Likely pathogenic. Last evaluated: 2026-04-07. Review status: criteria provided, single submitter. Criteria: GeneDx Variant Classification Process June 2021. Collection method: clinical testing. Allele origin: germline.
Comment: No data available from control populations to assess the frequency of this variant; Located in a regulatory region; in the absence of functional studies, the actual effect of this sequence change is unknown; This variant is associated with the following publications: (PMID: 27322474)

Labcorp Genetics (formerly Invitae), Labcorp
Classification: Pathogenic for Neurofibromatosis, type 1. Last evaluated: 2023-09-06. Review status: criteria provided, single submitter. Criteria: Invitae Variant Classification Sherloc (09022015). Collection method: clinical testing. Allele origin: germline.
Comment: This variant occurs in a non-coding region of the NF1 gene. It does not change the encoded amino acid sequence of the NF1 protein. This variant is not present in population databases (gnomAD no frequency). For these reasons, this variant has been classified as Pathogenic. ClinVar contains an entry for this variant (Variation ID: 1379698). This variant has been observed in individual(s) with neurofibromatosis type 1 (PMID: 27322474; Invitae). In at least one individual the variant was observed to be de novo.

Literature cited by the submitters: PubMed 27322474 (cited by Labcorp Genetics (formerly Invitae), Labcorp).

NM_001042492.3(NF1):c.-272G>C

Genes: MIR4733HG (MIR4733 host gene; minus strand), NF1 (neurofibromin 1; plus strand), LOC111811965 (NF1 (neurofibromin 1) promoter region; plus strand). Cytogenetic location: 17q11.2.
Variant type: single nucleotide variant.
Coding change: c.-272G>C on transcript NM_001042492.3 (MANE Select); 272 bases upstream of the start codon, G replaced by C.
Molecular consequence: 5 prime UTR variant.
Genome position (GRCh38, 1-based): chr17:31,095,038, G>C. VCF-style: chr17-31095038-G-C. GRCh37 (hg19) VCF-style: chr17-29422056-G-C.
Other names: c.-272G>C (NM_000267.4, NM_001128147.3).
Identifiers: ClinVar variation 1379698 (VCV001379698.8), dbSNP rs1911510393, ClinGen allele CA2573153206.